The following is an entry in ClinVar:

NM_152419.3(HGSNAT):c.433G>T (p.Gly145Ter)

Gene: HGSNAT (heparan-alpha-glucosaminide N-acetyltransferase; plus strand). Cytogenetic location: 8p11.21.
Variant type: single nucleotide variant.
Coding change: c.433G>T on transcript NM_152419.3 (MANE Select); coding-DNA position 433, G replaced by T.
Protein change: p.Gly145Ter; replaces glycine 145 with a stop codon.
Molecular consequence: nonsense. On other transcripts: 5 prime UTR variant (1).
Genome position (GRCh38, 1-based): chr8:43,158,984, G>T. VCF-style: chr8-43158984-G-T. GRCh37 (hg19) VCF-style: chr8-43014127-G-T.
Other names: c.433G>T, p.Gly145Ter (NM_001363227.2, NM_001363228.2); c.-401G>T (NM_001363229.2); short protein forms G145*.
Identifiers: ClinVar variation 983604 (VCV000983604.3), dbSNP rs1803182974, ClinGen allele CA371115584.

ClinVar aggregate classification (germline): Likely pathogenic (1 of 4 stars; one submission).

Conditions:
Mucopolysaccharidosis, MPS-III-C (MPS3C). Also called: MPS IIIC (Sanfilippo Syndrome Type C); MUCOPOLYSACCHARIDOSIS, TYPE IIIC; Mucopolysaccharidosis type IIIC (Sanfilippo C); mucopolysaccharidosis type 3C; SANFILIPPO SYNDROME C; MPS III C. Identifiers: Orphanet 581, Orphanet 79271, MedGen C0086649, MONDO:0009657, OMIM 252930.

Submission:

Myriad Genetics, Inc.
Classification: Likely pathogenic for Mucopolysaccharidosis, MPS-III-C. Last evaluated: 2019-06-07. Review status: criteria provided, single submitter. Criteria: Myriad Women's Health Autosomal Recessive and X-Linked Classification Criteria (2019). Collection method: clinical testing. Allele origin: unknown.
Comment: NM_152419.2(HGSNAT):c.433G>T(G145*) is expected to be pathogenic in the context of mucopolysaccharidosis type IIIC. This variant is predicted to lead to an abnormal or absent protein product due to the creation of a premature termination codon in HGSNAT, a gene where loss-of-function variants are known to be pathogenic. Please note: this variant was assessed in the context of healthy population screening.